The following is an entry in ClinVar:

NM_001079802.2(FKTN):c.1160del (p.Gly387fs)

Gene: FKTN (fukutin; plus strand). Cytogenetic location: 9q31.2.
Variant type: Deletion.
Coding change: c.1160del on transcript NM_001079802.2 (MANE Select); coding-DNA position 1160, one base deleted (G; older notation c.1160delG).
Protein change: p.Gly387fs; shifts the reading frame from glycine 387.
Molecular consequence: frameshift variant. On other transcripts: non-coding transcript variant (2).
Genome position (GRCh38, 1-based): chr9:105,620,049, G deleted; the last of 2 consecutive G bases (chr9:105,620,048-105,620,049); deleting either gives the same sequence. VCF-style (leftmost placement, unchanged base first): chr9-105620047-AG-A. GRCh37 (hg19) VCF-style: chr9-108382328-AG-A.
Other names: c.1160del, p.Gly387fs (NM_001198963.2, NM_001351496.2, NM_001351498.2 and 1 more transcripts); c.1091del, p.Gly364fs (NM_001351497.2); c.764del, p.Gly255fs (NM_001351499.2, NM_001351500.2, NM_001351501.2 and 1 more transcripts); short protein forms G255fs, G364fs, G387fs.
Identifiers: ClinVar variation 4814584 (VCV004814584.1).
Genomic context (GRCh38, chr9:105,620,047, plus strand): 5'-TGTTTTTTTCTTCTATGAAGAAACTGATCACATGTGGAATGGAGGCACTCAGGCCAAAAC[AG>A]GAAAAAAATTCAAGTATGAATCAAATAAGTACTTATTTATAAAGGTACTACAGAAATAAT-3'

ClinVar aggregate classification (germline): Likely pathogenic (1 of 4 stars; one submission).

Conditions:
Walker-Warburg congenital muscular dystrophy. Also called: Muscular dystrophy-dystroglycanopathy, type A; Walker-Warburg syndrome. Identifiers: Orphanet 899, MedGen C0265221, MONDO:0000171.

Submission:

Natera, Inc.
Classification: Likely pathogenic for Walker-Warburg congenital muscular dystrophy. Last evaluated: 2024-04-29. Review status: criteria provided, single submitter. Criteria: Natera Variant Classification Schema (03/2026). Collection method: clinical testing. Allele origin: germline.
Comment: The c.1160delG variant in FKTN is a frameshift variant predicted to shift the reading frame beginning at codon 387 and leads to a stop codon 19 codons downstream. This variant is expected to result in nonsense mediated decay, truncation, or a dysfunctional protein product. This variant is rare in the general population with a frequency below the threshold expected for the associated phenotype(s). Given the available evidence, this variant is classified as Likely Pathogenic.